The following is an entry in ClinVar:

NM_000238.4(KCNH2):c.2684C>T (p.Thr895Met)

Gene: KCNH2 (potassium voltage-gated channel subfamily H member 2; minus strand). Cytogenetic location: 7q36.1.
Variant type: single nucleotide variant.
Coding change: c.2684C>T on transcript NM_000238.4 (MANE Select); coding-DNA position 2684, C replaced by T.
Protein change: p.Thr895Met; replaces threonine 895 with methionine.
Molecular consequence: missense variant.
Genome position (GRCh38, 1-based): chr7:150,948,452, G>A on the plus strand (C>T on the coding strand, the complement: KCNH2 is on the minus strand). VCF-style: chr7-150948452-G-A. GRCh37 (hg19) VCF-style: chr7-150645540-G-A.
Other names: c.1664C>T, p.Thr555Met (NM_172057.3); c.2684C>T (NM_000238.2, LRG_288t1); short protein forms T555M, T895M.
Identifiers: ClinVar variation 67426 (VCV000067426.69), dbSNP rs199473434, ClinGen allele CA007147.

ClinVar aggregate classification (germline): Conflicting classifications of pathogenicity. Review status: criteria provided, conflicting classifications (1 of 4 stars). 12 submissions from 12 submitters: Likely pathogenic (1); Uncertain significance (10). 1 of the submissions does not count toward it. Last evaluated 2025-08-24.

Conditions:
SUDDEN INFANT DEATH SYNDROME (SIDS). Also called: Sudden Infant Death. Identifiers: MedGen C0038644, MeSH D013398, OMIM 272120.
Long QT syndrome (LQTS). Identifiers: MedGen C0023976, MeSH D008133, MONDO:0002442. Disease mechanism: loss of function. Inheritance: Various modes of inheritance.
Short QT syndrome type 1. Identifiers: Orphanet 51083, MedGen C1865020, MONDO:0012312, OMIM 609620.
Long QT syndrome 2 (LQT2). Identifiers: Orphanet 101016, Orphanet 768, MedGen C3150943, MONDO:0013367, OMIM 613688.
Cardiac arrhythmia. Also called: Arrhythmia; Cardiac rhythm disease. Identifiers: MedGen C0003811, MONDO:0007263, HP:0011675.
Cardiovascular phenotype. Identifiers: MedGen CN230736.
Long QT syndrome 1 (LQT1). Identifiers: Orphanet 101016, Orphanet 768, MedGen C4551647, MONDO:0100316, OMIM 192500, MONDO:0008646.

Allele frequency attached by ClinVar (database versions not stated): 1000 Genomes Project 0.00020; gnomAD 0.00005; 1000 Genomes Project 30x 0.00016.
gnomAD v4.1: 37 of 1,230,738 alleles (0.003%); highest among the groups gnomAD compares: East Asian, 0.089%; no homozygotes.

Submissions (12):

Labcorp Genetics (formerly Invitae), Labcorp
Classification: Uncertain significance for Long QT syndrome. Last evaluated: 2025-08-24. Review status: criteria provided, single submitter. Criteria: Invitae Variant Classification Sherloc (09022015). Collection method: clinical testing. Allele origin: germline.
Comment: This sequence change replaces threonine, which is neutral and polar, with methionine, which is neutral and non-polar, at codon 895 of the KCNH2 protein (p.Thr895Met). This variant is present in population databases (rs199473434, gnomAD 0.01%). This missense change has been observed in individual(s) with atrial fibrillation and in two relatives with paroxysmal palpitations (PMID: 18596570, 26129877). ClinVar contains an entry for this variant (Variation ID: 67426). An algorithm developed to predict the effect of missense changes on protein structure and function (PolyPhen-2) suggests that this variant is likely to be disruptive. Experimental studies have shown that this missense change affects KCNH2 function (PMID: 18596570, 26129877). In summary, the available evidence is currently insufficient to determine the role of this variant in disease. Therefore, it has been classified as a Variant of Uncertain Significance.

Color Diagnostics, LLC DBA Color Health
Classification: Uncertain significance for Cardiac arrhythmia. Last evaluated: 2024-10-07. Review status: criteria provided, single submitter. Criteria: ACMG Guidelines, 2015. Collection method: clinical testing. Allele origin: germline.
Comment: This missense variant replaces threonine with methionine at codon 895 of the KCNH2 protein. Computational prediction suggests that this variant may have deleterious impact on protein structure and function. In vitro functional studies have shown that this variant affects the amplitude of current and causes a delay in deactivation of the potassium channel (PMID: 18596570, 26129877). This variant has been reported in an individual affected with atrial fibrillation, as well as in the proband's father and son affected with paroxysmal palpitations (PMID: 26129877). This variant has also been reported in an infant affected with sudden death syndrome (PMID: 18596570) and in two individuals suspected of having epilepsy (PMID: 31696929). This variant has also been identified in 6/273882 chromosomes in the general population by the Genome Aggregation Database (gnomAD). The available evidence is insufficient to determine the role of this variant in disease conclusively. Therefore, this variant is classified as a Variant of Uncertain Significance.

All of Us Research Program, National Institutes of Health
Classification: Uncertain significance for Long QT syndrome. Last evaluated: 2023-11-30. Review status: criteria provided, single submitter. Criteria: ACMG Guidelines, 2015. Collection method: clinical testing. Allele origin: germline. Inheritance: Autosomal dominant inheritance. Observed: 1 variant allele, 1 heterozygote.
Comment: This missense variant replaces threonine with methionine at codon 895 of the KCNH2 protein. Computational prediction tools and conservation analyses are inconclusive regarding the impact of this variant on the protein function. Computational splicing tools suggest that this variant may not impact RNA splicing. An electrophysiological study in cell culture has shown that this variant may affect the deactivation time course of the potassium channels (PMID: 26129877). However, clinical relevance of this observation is not clear. This variant has been reported in an individual affected with atrial fibrillation, as well as in the proband's father and son affected with paroxysmal palpitations (PMID: 26129877). This variant has been reported in an infant affected with sudden death syndrome (PMID: 18596570). This variant has also been identified in 6/273882 chromosomes in the general population by the Genome Aggregation Database (gnomAD). Available evidence is insufficient to determine the role of this variant in disease conclusively. Therefore, this variant is classified as a Variant of Uncertain Significance.

This study involves interpretation of variants in research participants for the purpose of population health screening. Participant phenotype was not available at the time of variant classification. Additional details can be found in publication PMID: 35346344, PMCID: PMC8962531

Clinical Genomics Laboratory, Stanford Medicine
Classification: Uncertain significance for Long QT syndrome 2; Short QT syndrome type 1. Last evaluated: 2022-10-27. Review status: criteria provided, single submitter. Criteria: ACMG Guidelines, 2015. Collection method: clinical testing. Allele origin: germline. Observed: 1 variant allele, 1 heterozygote.
Comment: The p.Thr895Met variant in the KCNH2 gene has been previously reported in an individual with atrial fibrillation, and was identified in this individual’s father and son, both of whom were affected with paroxysmal palpitations (PMID: 26129877). Additionally, this variant has been previously reported in an individual with sudden infant death syndrome who also harbored a variant in SCN5A (PMID: 18596570). This variant has been identified in 3/19,772 East Asian chromosomes (6/273,882 chromosomes overall) by the Genome Aggregation Database. This variant is present in ClinVar (Accession: VCV000067426.67). The KCNH2 gene has fewer missense variants in the general population than expected. A low rate of missense variation may suggest that this gene is intolerant to missense variation. Multiple functional studies have suggested that the p.Thr895Met variant has a deleterious impact on potassium channel function (PMID: 18596570; PMID: 26129877; PMID: 34135774). The threonine at position 895 is moderately evolutionarily conserved. Computational tools predict that the p.Thr895Met variant is deleterious; however, the accuracy of in silico algorithms is limited. These data were assessed using the ACMG/AMP variant interpretation guidelines. In summary, the significance of the p.Thr895Met variant is uncertain. Additional information is needed to resolve the significance of this variant. [ACMG evidence codes used: PM2; PP2; PP3; PS3_Supporting]

Dasa
Classification: Uncertain significance for Long QT syndrome 2. Last evaluated: 2022-06-10. Review status: criteria provided, single submitter. Criteria: ACMG Guidelines, 2015. Collection method: clinical testing. Allele origin: germline. Observed: 1 variant allele.
Comment: NM_000238.4(KCNH2):c.2684C>T (p.Thr895Met) is a missense variant resulting in substitution of threonine with methionine at residue 895 in the C-terminal region of the KCNH2-encoded cardiac potassium channel, a gene in which pathogenic variants are known to cause long QT syndrome type 2 through altered channel function. Functional electrophysiological analysis demonstrated that the Thr895Met variant produced significantly reduced steady-state currents compared with wild-type channels across a range of test potentials, indicating an adverse effect on channel activity (PMID: 18596570). In a separate clinical study, the variant was observed in a proband as well as in the proband’s father and son, all of whom experienced paroxysmal palpitations, suggesting familial co-segregation with a cardiac rhythm phenotype, although the clinical presentation was limited (PMID: 26129877). The variant is rare in population datasets, and in silico predictions support a deleterious effect on protein function, while it is not located within a well-established functional domain and no alternative pathogenic variants at the same codon have been established. Based on the available data, this variant is classified as Variant of Uncertain Significance.

Ambry Genetics
Classification: Uncertain significance for Cardiovascular phenotype. Last evaluated: 2022-05-28. Review status: criteria provided, single submitter. Criteria: Ambry Variant Classification Scheme 2023. Collection method: clinical testing. Allele origin: germline.

Blueprint Genetics
Classification: Uncertain significance. Last evaluated: 2020-09-29. Review status: criteria provided, single submitter. Criteria: ACMG Guidelines, 2015. Collection method: clinical testing. Allele origin: germline.

Molecular Diagnostic Laboratory for Inherited Cardiovascular Disease, Montreal Heart Institute
Classification: Likely pathogenic for Long QT syndrome 1. Last evaluated: 2020-05-17. Review status: criteria provided, single submitter. Criteria: ACMG Guidelines, 2015. Collection method: clinical testing. Allele origin: germline. Affected: yes.

GeneDx
Classification: Uncertain significance. Last evaluated: 2020-01-06. Review status: criteria provided, single submitter. Criteria: GeneDx Variant Classification Process June 2021. Collection method: clinical testing. Allele origin: germline. Affected: yes.
Comment: Published functional studies suggested a gain-of-function effect (Otagiri et al., 2008; Hayashi et al., 2015); In silico analysis, which includes protein predictors and evolutionary conservation, supports that this variant does not alter protein structure/function; This variant is associated with the following publications: (PMID: 31043699, 18596570, 26129877, 22581653, 26332594, 22995991)

Mendelics
Classification: Uncertain significance for Long QT syndrome 2. Last evaluated: 2019-05-28. Review status: criteria provided, single submitter. Criteria: Mendelics Assertion Criteria 2017. Collection method: clinical testing. Allele origin: unknown.

Illumina Laboratory Services, Illumina
Classification: Uncertain significance for Long QT syndrome 2. Last evaluated: 2017-04-28. Review status: criteria provided, single submitter. Criteria: ICSL Variant Classification Criteria 13 December 2019. Collection method: clinical testing. Allele origin: germline.
Comment: This variant was observed as part of a predisposition screen in an ostensibly healthy population. A literature search was performed for the gene, cDNA change, and amino acid change (where applicable). Publications were found based on this search. However, the evidence from the literature, in combination with allele frequency data from public databases where available, was not sufficient to rule this variant in or out of causing disease. Therefore, this variant is classified as a variant of unknown significance.

Cardiovascular Biomedical Research Unit, Royal Brompton & Harefield NHS Foundation Trust
No classification provided. Condition: SUDDEN INFANT DEATH SYNDROME. Review status: no classification provided. Collection method: literature only. Allele origin: germline. Not counted in ClinVar's aggregate classification.
Comment: This variant has been reported as associated with Sudden infant death syndrome in the following publications (PMID:18596570). This is a literature report, and does not necessarily reflect the clinical interpretation of the Imperial College / Royal Brompton Cardiovascular Genetics laboratory.

Literature cited by the submitters: PubMed 18596570 (cited by 6 submitters); PubMed 26129877 (cited by 5 submitters); PubMed 31696929 (cited by Color Diagnostics, LLC DBA Color Health); PubMed 34135774 (cited by Clinical Genomics Laboratory, Stanford Medicine); PubMed 22581653 (cited by Illumina Laboratory Services, Illumina and Cardiovascular Biomedical Research Unit, Royal Brompton & Harefield NHS Foundation Trust); PubMed 21215473 (cited by Illumina Laboratory Services, Illumina); PubMed 26332594 (cited by Illumina Laboratory Services, Illumina); PubMed 23304551 (cited by Illumina Laboratory Services, Illumina); PubMed 22995991 (cited by Illumina Laboratory Services, Illumina); PubMed 20674198 (cited by Illumina Laboratory Services, Illumina).